The following is an entry in ClinVar:

NM_178857.6(RP1L1):c.414_415insT (p.Pro139fs)

Gene: RP1L1 (RP1 like 1). Cytogenetic location: 8p23.1.
Variant type: Insertion.
Coding change: c.414_415insT on transcript NM_178857.6 (MANE Select); coding-DNA positions 414 to 415, T inserted.
Protein change: p.Pro139fs; shifts the reading frame from proline 139.
Molecular consequence: frameshift variant.
Genome position: GRCh38 VCF-style: chr8-10622787-G-GA. GRCh37 (hg19) VCF-style: chr8-10480297-G-GA.
Other names: short protein forms P139fs.
Identifiers: ClinVar variation 1476345 (VCV001476345.6), dbSNP rs1554454599, ClinGen allele CA4625714.
Genomic context (GRCh38, chr8:10,622,787, plus strand): 5'-TCTTAATCAGCAGTATCCTCCGGGGGGTTTTAAGACTCTTCCGGGAGGAGGAGGTGCCTG[G>GA]GGCTTCACGCTGGCCTTCGACATCCCGCAACTGCTGAGCAGTGGGGTTTCTCTCCTGTGG-3'

ClinVar aggregate classification (germline): Uncertain significance (1 of 4 stars; one submission).

Allele frequency attached by ClinVar (database versions not stated): gnomAD exomes below 0.00001 and 0.00001; ExAC 0.00001; gnomAD 0.00001; TOPMed 0.00001.

Submission:

Labcorp Genetics (formerly Invitae), Labcorp
Classification: Uncertain significance. Last evaluated: 2023-10-17. Review status: criteria provided, single submitter. Criteria: Invitae Variant Classification Sherloc (09022015). Collection method: clinical testing. Allele origin: germline.
Comment: This sequence change creates a premature translational stop signal (p.Pro139Serfs*11) in the RP1L1 gene. It is expected to result in an absent or disrupted protein product. However, the current clinical and genetic evidence is not sufficient to establish whether loss-of-function variants in RP1L1 cause disease. This variant is present in population databases (rs770276322, gnomAD 0.01%). This variant has not been reported in the literature in individuals affected with RP1L1-related conditions. ClinVar contains an entry for this variant (Variation ID: 1476345). In summary, the available evidence is currently insufficient to determine the role of this variant in disease. Therefore, it has been classified as a Variant of Uncertain Significance.